The following is an entry in ClinVar:

ClinVar aggregate classification (germline): Benign. Review status: criteria provided, multiple submitters, no conflicts (2 of 4 stars). 9 submissions from 9 submitters: Benign (9). Last evaluated 2026-02-03.

Conditions:
Myopathy, centronuclear, 2 (CNM2). Also called: MYOTUBULAR MYOPATHY, AUTOSOMAL RECESSIVE. Identifiers: Orphanet 169186, MedGen CN031787, MONDO:0009709, OMIM 255200.

Allele frequency attached by ClinVar (database versions not stated): ESP Exome Variant Server 0.02445; gnomAD 0.04283 and 0.04894; gnomAD exomes 0.04487 and 0.08232; TOPMed 0.04871; ExAC 0.08084; 1000 Genomes Project 30x 0.09525; 1000 Genomes Project 0.09645.
gnomAD v4.1: 73,132 of 1,613,502 alleles (4.5%); highest among the groups gnomAD compares: Admixed American, 17%; 3,408 homozygotes.

Submissions (9):

Labcorp Genetics (formerly Invitae), Labcorp
Classification: Benign for Myopathy, centronuclear, 2. Last evaluated: 2026-02-03. Review status: criteria provided, single submitter. Criteria: Invitae Variant Classification Sherloc (09022015). Collection method: clinical testing. Allele origin: germline.

Blueprint Genetics
Classification: Benign. Last evaluated: 2024-11-26. Review status: criteria provided, single submitter. Criteria: ACMG Guidelines, 2015. Collection method: clinical testing. Allele origin: germline.

Illumina Laboratory Services, Illumina
Classification: Benign for Myopathy, centronuclear, 2. Last evaluated: 2018-01-12. Review status: criteria provided, single submitter. Criteria: ICSL Variant Classification Criteria 13 December 2019. Collection method: clinical testing. Allele origin: germline.
Comment: This variant was observed in the ICSL laboratory as part of a predisposition screen in an ostensibly healthy population. It had not been previously curated by ICSL or reported in the Human Gene Mutation Database (HGMD: prior to June 1st, 2018), and was therefore a candidate for classification through an automated scoring system. Utilizing variant allele frequency, disease prevalence and penetrance estimates, and inheritance mode, an automated score was calculated to assess if this variant is too frequent to cause the disease. Based on the score and internal cut-off values, a variant classified as benign is not then subjected to further curation. The score for this variant resulted in a classification of benign for this disease.

Mayo Clinic Laboratories, Mayo Clinic
Classification: Benign. Last evaluated: 2017-08-25. Review status: criteria provided, single submitter. Criteria: ACMG Guidelines, 2015. Collection method: clinical testing. Allele origin: germline. Observed: 70 variant alleles.

GeneDx
Classification: Benign. Last evaluated: 2016-02-08. Review status: criteria provided, single submitter. Criteria: GeneDx Variant Classification (06012015). Collection method: clinical testing. Allele origin: germline. Affected: yes.
Comment: This variant is considered likely benign or benign based on one or more of the following criteria: it is a conservative change, it occurs at a poorly conserved position in the protein, it is predicted to be benign by multiple in silico algorithms, and/or has population frequency not consistent with disease.

Laboratory for Molecular Medicine, Mass General Brigham Personalized Medicine
Classification: Benign. Last evaluated: 2014-11-24. Review status: criteria provided, single submitter. Criteria: LMM Criteria. Collection method: clinical testing. Allele origin: germline. Observed: 4 variant alleles.
Comment: Tyr238Tyr in exon 9 of BIN1: This variant is not expected to have clinical signi ficance because it does not alter an amino acid residue and is not located withi n the splice consensus sequence. It has been identified in 2.9% (248/8600) of Eu ropean American chromosomes from a broad population by the NHLBI Exome Sequencin g Project (dbSNP rs1137845).

Genetic Services Laboratory, University of Chicago
Classification: Benign. Last evaluated: 2013-08-15. Review status: criteria provided, single submitter. Criteria: ACMG Guidelines, 2007. Collection method: clinical testing. Allele origin: germline. Inheritance: Autosomal recessive inheritance.

Breakthrough Genomics
Classification: Benign. Review status: criteria provided, single submitter. Criteria: ACMG Guidelines, 2015. Collection method: not provided. Allele origin: germline. Inheritance: Autosomal recessive inheritance. Affected: yes.

PreventionGenetics, part of Exact Sciences
Classification: Benign. Review status: criteria provided, single submitter. Criteria: ACMG Guidelines, 2015. Collection method: clinical testing. Allele origin: germline.

NM_139343.3(BIN1):c.714C>T (p.Tyr238=)

Gene: BIN1 (bridging integrator 1; minus strand). Cytogenetic location: 2q14.3.
Variant type: single nucleotide variant.
Coding change: c.714C>T on transcript NM_139343.3 (MANE Select); coding-DNA position 714, C replaced by T.
Protein change: p.Tyr238=; no amino-acid change (tyrosine 238 retained).
Molecular consequence: synonymous variant.
Genome position (GRCh38, 1-based): chr2:127,063,631, G>A on the plus strand (C>T on the coding strand, the complement: BIN1 is on the minus strand). VCF-style: chr2-127063631-G-A. GRCh37 (hg19) VCF-style: chr2-127821207-G-A.
Other names: p.Tyr238=; c.621C>T, p.Tyr207= (NM_001320632.2, NM_001320641.2, NM_004305.4 and 6 more transcripts); c.714C>T, p.Tyr238= (NM_001320633.2, NM_001320640.2, NM_139344.3 and 1 more transcripts); c.549C>T, p.Tyr183= (NM_001320634.1); c.633C>T, p.Tyr211= (NM_001320642.1).
Identifiers: ClinVar variation 158018 (VCV000158018.24), dbSNP rs1137845, ClinGen allele CA171406.